The following is an entry in ClinVar:

ClinVar aggregate classification (germline): Pathogenic (1 of 4 stars; one submission).

Conditions:
RYR1-related disorder. Also called: RYR1-related condition; RYR1-related disorders. Identifiers: MedGen CN239331.

Submission:

Labcorp Genetics (formerly Invitae), Labcorp
Classification: Pathogenic for RYR1-related disorder. Last evaluated: 2023-01-23. Review status: criteria provided, single submitter. Criteria: Invitae Variant Classification Sherloc (09022015). Collection method: clinical testing. Allele origin: germline.
Comment: For these reasons, this variant has been classified as Pathogenic. This variant has not been reported in the literature in individuals affected with RYR1-related conditions. This variant is not present in population databases (gnomAD no frequency). This sequence change creates a premature translational stop signal (p.Lys3515*) in the RYR1 gene. It is expected to result in an absent or disrupted protein product. Loss-of-function variants in RYR1 are known to be pathogenic (PMID: 20583297, 20839240, 23919265, 28818389).

Literature cited by the submitters: PubMed 20583297; PubMed 20839240; PubMed 23919265; PubMed 28818389.

NM_000540.3(RYR1):c.10543A>T (p.Lys3515Ter)

Gene: RYR1 (ryanodine receptor 1; plus strand). Cytogenetic location: 19q13.2.
Variant type: single nucleotide variant.
Coding change: c.10543A>T on transcript NM_000540.3 (MANE Select); coding-DNA position 10543, A replaced by T.
Protein change: p.Lys3515Ter; replaces lysine 3515 with a stop codon.
Molecular consequence: nonsense.
Genome position (GRCh38, 1-based): chr19:38,525,419, A>T. VCF-style: chr19-38525419-A-T. GRCh37 (hg19) VCF-style: chr19-39016059-A-T.
Other names: c.10528A>T, p.Lys3510Ter (NM_001042723.2); short protein forms K3510*, K3515*.
Identifiers: ClinVar variation 1998475 (VCV001998475.4), dbSNP rs2514477320, ClinGen allele CA405643664.